The following is an entry in ClinVar:

ClinVar aggregate classification (germline): Uncertain significance (1 of 4 stars; one submission).

Submission:

Labcorp Genetics (formerly Invitae), Labcorp
Classification: Uncertain significance. Last evaluated: 2022-03-18. Review status: criteria provided, single submitter. Criteria: Invitae Variant Classification Sherloc (09022015). Collection method: clinical testing. Allele origin: germline.
Comment: This sequence change replaces alanine, which is neutral and non-polar, with aspartic acid, which is acidic and polar, at codon 3695 of the PCLO protein (p.Ala3695Asp). This variant is not present in population databases (gnomAD no frequency). This variant has not been reported in the literature in individuals affected with PCLO-related conditions. Algorithms developed to predict the effect of missense changes on protein structure and function are either unavailable or do not agree on the potential impact of this missense change (SIFT: "Deleterious"; PolyPhen-2: "Not Available"; Align-GVGD: "Class C0"). In summary, the available evidence is currently insufficient to determine the role of this variant in disease. Therefore, it has been classified as a Variant of Uncertain Significance.

NM_033026.6(PCLO):c.11084C>A (p.Ala3695Asp)

Gene: PCLO (piccolo presynaptic cytomatrix protein; minus strand). Cytogenetic location: 7q21.11.
Variant type: single nucleotide variant.
Coding change: c.11084C>A on transcript NM_033026.6 (MANE Select); coding-DNA position 11084, C replaced by A.
Protein change: p.Ala3695Asp; replaces alanine 3695 with aspartic acid.
Molecular consequence: missense variant.
Genome position (GRCh38, 1-based): chr7:82,949,504, G>T on the plus strand (C>A on the coding strand, the complement: PCLO is on the minus strand). VCF-style: chr7-82949504-G-T. GRCh37 (hg19) VCF-style: chr7-82578820-G-T.
Other names: c.11084C>A, p.Ala3695Asp (NM_014510.3); short protein forms A3695D.
Identifiers: ClinVar variation 2113932 (VCV002113932.4), dbSNP rs774055010, ClinGen allele CA367900214.